The following is an entry in ClinVar:

ClinVar aggregate classification (germline): Likely pathogenic. Review status: criteria provided, multiple submitters, no conflicts (2 of 4 stars). 3 submissions from 3 submitters: Likely pathogenic (3). Last evaluated 2025-08-21.

Conditions:
Acute infantile liver failure due to synthesis defect of mtDNA-encoded proteins. Also called: Liver failure acute infantile; LIVER FAILURE, INFANTILE, TRANSIENT; TRMU Deficiency. Identifiers: Orphanet 217371, MedGen C3278664, MONDO:0013111, OMIM 613070.
Aminoglycoside-induced deafness. Also called: DEAFNESS, STREPTOMYCIN-INDUCED; MT-RNR1-Related Hearing Loss and Deafness; STREPTOMYCIN OTOTOXICITY. Identifiers: Orphanet 168609, MedGen C1838854, MONDO:0010799, OMIM 580000.

Allele frequency attached by ClinVar (database versions not stated): gnomAD exomes below 0.00001; TOPMed below 0.00001.
gnomAD v4.1: 2 of 1,613,108 alleles (0.00012%); highest among the groups gnomAD compares: Non-Finnish European, 0.000085%; no homozygotes.

Submissions (3):

Institute of Medical Genetics and Genomics, Sir Ganga Ram Hospital
Classification: Likely pathogenic for Acute infantile liver failure due to synthesis defect of mtDNA-encoded proteins. Last evaluated: 2025-08-21. Review status: criteria provided, single submitter. Criteria: ACMG Guidelines, 2015. Collection method: clinical testing. Allele origin: inherited. Inheritance: Autosomal recessive inheritance. Affected: yes. Observed: 1 compound heterozygote.
Comment: The splice acceptor variant NM_018006.5 (TRMU):c.652-2A>G has been reported previously as a pathogenic variant in clinvar (Variation ID: VCV002581645.2). This variant mutates a splice-acceptor sequence, but is predicted to preserve the reading frame, resulting in in-frame exon skipping. This variant results in the loss of an acceptor splice site for the clinically relevant transcript. There is another pathogenic variant in the same region as the variant c.652-2A>G, indicating that the region is critical to protein function. In-silico splice prediction tools GeneSplicer, MaxEntScan and NNSPLICE predict this variant to be damaging. For these reasons, this variant has been classified as Likely Pathogenic.

Baylor Genetics
Classification: Likely pathogenic for Aminoglycoside-induced deafness. Last evaluated: 2023-08-24. Review status: criteria provided, single submitter. Criteria: ACMG Guidelines, 2015. Collection method: clinical testing. Allele origin: unknown.

Women's Health and Genetics/Laboratory Corporation of America, LabCorp
Classification: Likely pathogenic for Acute infantile liver failure due to synthesis defect of mtDNA-encoded proteins. Last evaluated: 2023-08-10. Review status: criteria provided, single submitter. Criteria: LabCorp Variant Classification Summary - May 2015. Collection method: clinical testing. Allele origin: germline.
Comment: Variant summary: TRMU c.652-2A>G is located in a canonical splice-site and is predicted to affect mRNA splicing resulting in a significantly altered protein due to either exon skipping, shortening, or inclusion of intronic material. Several computational tools predict a significant impact on normal splicing: four predict the variant abolishes a 3' acceptor site. However, these predictions have yet to be confirmed by functional studies. The variant allele was found at a frequency of 4e-06 in 251414 control chromosomes (gnomAD). The available data on variant occurrences in the general population are insufficient to allow any conclusion about variant significance. To our knowledge, no occurrence of c.652-2A>G in individuals affected with Liver Failure Acute Infantile, Transient and no experimental evidence demonstrating its impact on protein function have been reported. No submitters have reported clinical-significance assessments for this variant to ClinVar after 2014. Based on the evidence outlined above, the variant was classified as likely pathogenic.

NM_018006.5(TRMU):c.652-2A>G

Gene: TRMU (tRNA mitochondrial 2-thiouridylase; plus strand). Cytogenetic location: 22q13.31.
Variant type: single nucleotide variant.
Coding change: c.652-2A>G on transcript NM_018006.5 (MANE Select); the canonical splice acceptor site of the intron before coding-DNA position 652, A replaced by G.
Molecular consequence: splice acceptor variant.
Genome position (GRCh38, 1-based): chr22:46,352,119, A>G. VCF-style: chr22-46352119-A-G. GRCh37 (hg19) VCF-style: chr22-46748016-A-G.
Other names: c.652-2A>G (NM_001282785.2); c.310-2A>G (NM_001282782.2); c.232-2A>G (NM_001282783.2, NM_001282784.2).
Identifiers: ClinVar variation 2581645 (VCV002581645.3), dbSNP rs1336164502, ClinGen allele CA411946100.